The following is an entry in ClinVar:

ClinVar aggregate classification (germline): Uncertain significance (1 of 4 stars; one submission).

Conditions:
Hereditary cancer-predisposing syndrome. Also called: Neoplastic Syndromes, Hereditary; Tumor predisposition; Hereditary Cancer Syndrome; Hereditary neoplastic syndrome. Identifiers: Orphanet 140162, MedGen C0027672, MeSH D009386, MONDO:0015356.

Submission:

Ambry Genetics
Classification: Uncertain significance for Hereditary cancer-predisposing syndrome. Last evaluated: 2026-03-11. Review status: criteria provided, single submitter. Criteria: Ambry Variant Classification Scheme 2023. Collection method: clinical testing. Allele origin: germline.
Comment: The p.S202P variant (also known as c.604T>C), located in coding exon 4 of the BARD1 gene, results from a T to C substitution at nucleotide position 604. The serine at codon 202 is replaced by proline, an amino acid with similar properties. This amino acid position is conserved. In addition, this alteration is predicted to be tolerated by in silico analysis. Based on the available evidence, the clinical significance of this variant remains unclear.

NM_000465.4(BARD1):c.604T>C (p.Ser202Pro)

Gene: BARD1 (BRCA1 associated RING domain 1; minus strand). Cytogenetic location: 2q35.
Variant type: single nucleotide variant.
Coding change: c.604T>C on transcript NM_000465.4 (MANE Select); coding-DNA position 604, T replaced by C.
Protein change: p.Ser202Pro; replaces serine 202 with proline.
Molecular consequence: missense variant. On other transcripts: non-coding transcript variant (2), intron variant (3).
Genome position (GRCh38, 1-based): chr2:214,781,270, A>G on the plus strand (T>C on the coding strand, the complement: BARD1 is on the minus strand). VCF-style: chr2-214781270-A-G. GRCh37 (hg19) VCF-style: chr2-215645994-A-G.
Other names: c.547T>C, p.Ser183Pro (NM_001282543.2); c.158+28142T>C (NM_001282548.2); c.215+15791T>C (NM_001282545.2); c.364+11027T>C (NM_001282549.2); short protein forms S202P, S183P.
Identifiers: ClinVar variation 4826592 (VCV004826592.1).